The following is an entry in ClinVar:

ClinVar aggregate classification (germline): Uncertain significance (1 of 4 stars; one submission).

Submission:

Labcorp Genetics (formerly Invitae), Labcorp
Classification: Uncertain significance. Last evaluated: 2022-08-17. Review status: criteria provided, single submitter. Criteria: Invitae Variant Classification Sherloc (09022015). Collection method: clinical testing. Allele origin: germline.
Comment: This sequence change replaces leucine, which is neutral and non-polar, with valine, which is neutral and non-polar, at codon 204 of the EIF2B3 protein (p.Leu204Val). This variant is not present in population databases (gnomAD no frequency). This variant has not been reported in the literature in individuals affected with EIF2B3-related conditions. Algorithms developed to predict the effect of missense changes on protein structure and function (SIFT, PolyPhen-2, Align-GVGD) all suggest that this variant is likely to be tolerated. In summary, the available evidence is currently insufficient to determine the role of this variant in disease. Therefore, it has been classified as a Variant of Uncertain Significance.

NM_020365.5(EIF2B3):c.610C>G (p.Leu204Val)

Gene: EIF2B3 (eukaryotic translation initiation factor 2B subunit gamma; minus strand). Cytogenetic location: 1p34.1.
Variant type: single nucleotide variant.
Coding change: c.610C>G on transcript NM_020365.5 (MANE Select); coding-DNA position 610, C replaced by G.
Protein change: p.Leu204Val; replaces leucine 204 with valine.
Molecular consequence: missense variant.
Genome position (GRCh38, 1-based): chr1:44,897,401, G>C on the plus strand (C>G on the coding strand, the complement: EIF2B3 is on the minus strand). VCF-style: chr1-44897401-G-C. GRCh37 (hg19) VCF-style: chr1-45363073-G-C.
Other names: c.610C>G, p.Leu204Val (NM_001166588.3, NM_001261418.2); short protein forms L204V.
Identifiers: ClinVar variation 1976261 (VCV001976261.5), dbSNP rs2522405368, ClinGen allele CA340096201.